The following is an entry in ClinVar:

ClinVar aggregate classification (germline): Uncertain significance (1 of 4 stars; one submission).

Conditions:
Epidermolysis bullosa simplex 5B, with muscular dystrophy (EBS5B). Also called: EPIDERMOLYSIS BULLOSA SIMPLEX AND LIMB-GIRDLE MUSCULAR DYSTROPHY; Epidermolysis bullosa simplex with muscular dystrophy. Identifiers: Orphanet 257, MedGen C2931072, MONDO:0009181, OMIM 226670.
Epidermolysis bullosa simplex, Ogna type (EBS5A). Also called: Pidermolysis bullosa simplex 5A, Ogna type; EPIDERMOLYSIS BULLOSA SIMPLEX 5A, OGNA TYPE. Identifiers: Orphanet 79401, MedGen C0432317, MONDO:0007555, OMIM 131950.
Epidermolysis bullosa simplex with nail dystrophy (EBS5D). Identifiers: MedGen C4225309, MONDO:0014661, OMIM 616487.
Autosomal recessive limb-girdle muscular dystrophy type 2Q (LGMDR17). Also called: MUSCULAR DYSTROPHY, LIMB-GIRDLE, AUTOSOMAL RECESSIVE 17. Identifiers: Orphanet 254361, MedGen C3150989, MONDO:0013390, OMIM 613723.
Epidermolysis bullosa simplex 5C, with pyloric atresia (EBS5C). Also called: PLEC1-Related Epidermolysis Bullosa with Pyloric Atresia; PLEC-Related Epidermolysis Bullosa with Pyloric Atresia; Epidermolysis bullosa simplex with pyloric atresia. Identifiers: Orphanet 158684, MedGen C2677349, MONDO:0012807, OMIM 612138.

Submission:

Labcorp Genetics (formerly Invitae), Labcorp
Classification: Uncertain significance for Autosomal recessive limb-girdle muscular dystrophy type 2Q; Epidermolysis bullosa simplex, Ogna type; Epidermolysis bullosa simplex with nail dystrophy; Epidermolysis bullosa simplex 5C, with pyloric atresia; Epidermolysis bullosa simplex 5B, with muscular dystrophy. Last evaluated: 2021-09-04. Review status: criteria provided, single submitter. Criteria: Invitae Variant Classification Sherloc (09022015). Collection method: clinical testing. Allele origin: germline.
Comment: In summary, the available evidence is currently insufficient to determine the role of this variant in disease. Therefore, it has been classified as a Variant of Uncertain Significance. Algorithms developed to predict the effect of missense changes on protein structure and function are either unavailable or do not agree on the potential impact of this missense change (SIFT: "Deleterious"; PolyPhen-2: "Benign"; Align-GVGD: "Class C65"). This variant has not been reported in the literature in individuals affected with PLEC-related conditions. This variant is not present in population databases (ExAC no frequency). This sequence change replaces alanine with serine at codon 2183 of the PLEC protein (p.Ala2183Ser). The alanine residue is highly conserved and there is a moderate physicochemical difference between alanine and serine.

NM_201384.3(PLEC):c.6466G>T (p.Ala2156Ser)

Gene: PLEC (plectin; minus strand). Cytogenetic location: 8q24.3.
Variant type: single nucleotide variant.
Coding change: c.6466G>T on transcript NM_201384.3 (MANE Select); coding-DNA position 6466, G replaced by T.
Protein change: p.Ala2156Ser; replaces alanine 2156 with serine.
Molecular consequence: missense variant.
Genome position (GRCh38, 1-based): chr8:143,923,463, C>A on the plus strand (G>T on the coding strand, the complement: PLEC is on the minus strand). VCF-style: chr8-143923463-C-A. GRCh37 (hg19) VCF-style: chr8-144997631-C-A.
Other names: c.6478G>T, p.Ala2160Ser (NM_201383.3); c.6547G>T, p.Ala2183Ser (NM_000445.5); c.6424G>T, p.Ala2142Ser (NM_201378.4); c.6400G>T, p.Ala2134Ser (NM_201379.3); c.6877G>T, p.Ala2293Ser (NM_201380.4); c.6370G>T, p.Ala2124Ser (NM_201381.3); c.6466G>T, p.Ala2156Ser (NM_201382.4); short protein forms A2156S, A2134S, A2183S, A2293S, A2124S, A2142S, A2160S.
Identifiers: ClinVar variation 1465965 (VCV001465965.6), dbSNP rs2131328395, ClinGen allele CA372534192.